The following is an entry in ClinVar:

ClinVar aggregate classification (germline): Likely pathogenic (1 of 4 stars; one submission).

Conditions:
Snijders blok-fisher syndrome. Identifiers: Orphanet 656135, MedGen C5231424, MONDO:0032830, OMIM 618604.

Submission:

Institute of Human Genetics, University of Leipzig Medical Center
Classification: Likely pathogenic for Snijders blok-fisher syndrome. Last evaluated: 2022-05-12. Review status: criteria provided, single submitter. Criteria: ACMG Guidelines, 2015. Collection method: clinical testing. Allele origin: de novo. Affected: yes.
Comment: This variant was identified as de novo (maternity and paternity confirmed)._x000D_ Criteria applied: PS2_MOD, PM1, PM2_SUP, PP3

NM_006236.3(POU3F3):c.1019A>C (p.Gln340Pro)

Gene: POU3F3 (POU class 3 homeobox 3; plus strand). Cytogenetic location: 2q12.1.
Variant type: single nucleotide variant.
Coding change: c.1019A>C on transcript NM_006236.3 (MANE Select); coding-DNA position 1019, A replaced by C.
Protein change: p.Gln340Pro; replaces glutamine 340 with proline.
Molecular consequence: missense variant.
Genome position (GRCh38, 1-based): chr2:104,856,529, A>C. VCF-style: chr2-104856529-A-C. GRCh37 (hg19) VCF-style: chr2-105472987-A-C.
Other names: short protein forms Q340P.
Identifiers: ClinVar variation 1691852 (VCV001691852.1), dbSNP rs2104341000, ClinGen allele CA348098018.